The following is an entry in ClinVar:

ClinVar aggregate classification (germline): Uncertain significance. Review status: criteria provided, multiple submitters, no conflicts (2 of 4 stars). 6 submissions from 6 submitters: Uncertain significance (6). Last evaluated 2025-10-15.

Conditions:
CLN3-related disorder. Also called: CLN3-related condition. Identifiers: MedGen CN382248.
Neuronal ceroid lipofuscinosis. Also called: Neuronal Ceroid Lipofuscinoses. Identifiers: Orphanet 216, Orphanet 79263, MedGen C0027877, MONDO:0016295. Disease mechanism: loss of function.
Neuronal ceroid lipofuscinosis 3 (CLN3). Identifiers: Orphanet 228346, MedGen C0751383, MONDO:0008767, OMIM 204200.

Allele frequency attached by ClinVar (database versions not stated): ExAC 0.00006; gnomAD exomes 0.00006 and 0.00012; gnomAD 0.00007 and 0.00009; TOPMed 0.00008; ESP Exome Variant Server 0.00015.
gnomAD v4.1: 197 of 1,612,634 alleles (0.012%); highest among the groups gnomAD compares: Non-Finnish European, 0.015%; 1 homozygote.

Submissions (6):

PreventionGenetics, part of Exact Sciences
Classification: Uncertain significance for CLN3-related condition. Last evaluated: 2025-10-15. Review status: criteria provided, single submitter. Criteria: ACMG Guidelines, 2015. Collection method: clinical testing. Allele origin: germline.
Comment: The CLN3 c.649C>A variant is predicted to result in the amino acid substitution p.Leu217Met. To our knowledge, this variant has not been reported in the literature. This variant is reported in 0.010% of alleles in individuals of European (Non-Finnish) descent in gnomAD. At this time, the clinical significance of this variant is uncertain due to the absence of conclusive functional and genetic evidence.

Blueprint Genetics
Classification: Uncertain significance. Last evaluated: 2024-03-27. Review status: criteria provided, single submitter. Criteria: ACMG Guidelines, 2015. Collection method: clinical testing. Allele origin: germline.

Labcorp Genetics (formerly Invitae), Labcorp
Classification: Uncertain significance for Neuronal ceroid lipofuscinosis. Last evaluated: 2022-07-23. Review status: criteria provided, single submitter. Criteria: Invitae Variant Classification Sherloc (09022015). Collection method: clinical testing. Allele origin: germline.
Comment: This sequence change replaces leucine, which is neutral and non-polar, with methionine, which is neutral and non-polar, at codon 217 of the CLN3 protein (p.Leu217Met). This variant is present in population databases (rs150913606, gnomAD 0.01%). This variant has not been reported in the literature in individuals affected with CLN3-related conditions. ClinVar contains an entry for this variant (Variation ID: 205112). Algorithms developed to predict the effect of missense changes on protein structure and function are either unavailable or do not agree on the potential impact of this missense change (SIFT: "Tolerated"; PolyPhen-2: "Probably Damaging"; Align-GVGD: "Class C0"). In summary, the available evidence is currently insufficient to determine the role of this variant in disease. Therefore, it has been classified as a Variant of Uncertain Significance.

Genome-Nilou Lab
Classification: Uncertain significance for Neuronal ceroid lipofuscinosis 3. Last evaluated: 2021-09-05. Review status: criteria provided, single submitter. Criteria: ACMG Guidelines, 2015. Collection method: clinical testing. Allele origin: germline. Affected: no.

GeneDx
Classification: Uncertain significance. Last evaluated: 2019-10-14. Review status: criteria provided, single submitter. Criteria: GeneDx Variant Classification Process June 2021. Collection method: clinical testing. Allele origin: germline. Affected: yes.
Comment: Not observed at a significant frequency in large population cohorts (Lek et al., 2016); In silico analysis, which includes protein predictors and evolutionary conservation, supports that this variant does not alter protein structure/function; Has not been previously published as pathogenic or benign to our knowledge

Illumina Laboratory Services, Illumina
Classification: Uncertain significance for Neuronal ceroid lipofuscinosis 3. Last evaluated: 2018-01-12. Review status: criteria provided, single submitter. Criteria: ICSL Variant Classification Criteria 13 December 2019. Collection method: clinical testing. Allele origin: germline.

NM_001042432.2(CLN3):c.649C>A (p.Leu217Met)

Gene: CLN3 (CLN3 lysosomal/endosomal transmembrane protein, battenin; minus strand). Cytogenetic location: 16p12.1.
Variant type: single nucleotide variant.
Coding change: c.649C>A on transcript NM_001042432.2 (MANE Select); coding-DNA position 649, C replaced by A.
Protein change: p.Leu217Met; replaces leucine 217 with methionine.
Molecular consequence: missense variant.
Genome position (GRCh38, 1-based): chr16:28,486,375, G>T on the plus strand (C>A on the coding strand, the complement: CLN3 is on the minus strand). VCF-style: chr16-28486375-G-T. GRCh37 (hg19) VCF-style: chr16-28497696-G-T.
Other names: p.L217M:CTG>ATG; c.649C>A, p.Leu217Met (NM_000086.2); c.577C>A, p.Leu193Met (NM_001286104.2); c.349C>A, p.Leu117Met (NM_001286105.2); c.415C>A, p.Leu139Met (NM_001286109.2); c.487C>A, p.Leu163Met (NM_001286110.2); short protein forms L217M, L193M, L117M, L163M, L139M.
Identifiers: ClinVar variation 205112 (VCV000205112.16), dbSNP rs150913606, ClinGen allele CA313808.
Genomic context (GRCh38, chr16:28,486,375, plus strand): 5'-ACCCCTCTCCCTCCCGGCTCAGGGCAGCTCACCTGGCCAGCAGCAGGGCAGGGATACCCA[G>T]CATGGACAGCAGGGTCTGCTGAGGGGAGAGGCCGGCCTGGGTGAGGCCCAGGTAGGACAG-3'
Protein context (NP_001035897.1, residues 207-227): LSPQQTLLSM[Leu217Met]GIPALLLASY